The following is an entry in ClinVar:

NM_000143.4(FH):c.243T>C (p.Ile81=)

Gene: FH (fumarate hydratase; minus strand). Cytogenetic location: 1q43.
Variant type: single nucleotide variant.
Coding change: c.243T>C on transcript NM_000143.4 (MANE Select); coding-DNA position 243, T replaced by C.
Protein change: p.Ile81=; no amino-acid change (isoleucine 81 retained).
Molecular consequence: synonymous variant.
Genome position (GRCh38, 1-based): chr1:241,517,206, A>G on the plus strand (T>C on the coding strand, the complement: FH is on the minus strand). VCF-style: chr1-241517206-A-G. GRCh37 (hg19) VCF-style: chr1-241680506-A-G.
Identifiers: ClinVar variation 3278759 (VCV003278759.2).

ClinVar aggregate classification (germline): Benign/Likely benign. Review status: criteria provided, multiple submitters, no conflicts (2 of 4 stars). 2 submissions from 2 submitters: Benign (1); Likely benign (1). Last evaluated 2024-10-17.

Conditions:
Hereditary cancer-predisposing syndrome. Also called: Neoplastic Syndromes, Hereditary; Tumor predisposition; Hereditary Cancer Syndrome; Hereditary neoplastic syndrome. Identifiers: Orphanet 140162, MedGen C0027672, MeSH D009386, MONDO:0015356.
Hereditary leiomyomatosis and renal cell cancer. Also called: MULTIPLE CUTANEOUS AND UTERINE LEIOMYOMATA 1, WITH OR WITHOUT RENAL CELL CARCINOMA; LEIOMYOMA, MULTIPLE CUTANEOUS; Reed syndrome; Multiple cutaneous and uterine leiomyomatosis; Cutaneous leiomyomata with uterine leiomyomata; Leiomyoma, hereditary multiple, of skin. Identifiers: Orphanet 523, MedGen C1708350, MONDO:0007888, OMIM 150800, HP:0007437. Disease mechanism: loss of function.

Submissions (2):

Myriad Genetics, Inc.
Classification: Benign for Hereditary leiomyomatosis and renal cell cancer. Last evaluated: 2024-10-17. Review status: criteria provided, single submitter. Criteria: Myriad Autosomal Dominant, Autosomal Recessive and X-Linked Classification Criteria (2023). Collection method: clinical testing. Allele origin: unknown.
Comment: This variant is considered benign. This variant is a silent/synonymous amino acid change and it is not expected to impact splicing.

Ambry Genetics
Classification: Likely benign for Hereditary cancer-predisposing syndrome. Last evaluated: 2024-06-06. Review status: criteria provided, single submitter. Criteria: Ambry Variant Classification Scheme 2023. Collection method: clinical testing. Allele origin: germline.